The following is an entry in ClinVar:

NM_022788.5(P2RY12):c.305T>C (p.Val102Ala)

Genes: P2RY12 (purinergic receptor P2Y12; minus strand), MED12L (mediator complex subunit 12L; plus strand). Cytogenetic location: 3q25.1.
Variant type: single nucleotide variant.
Coding change: c.305T>C on transcript NM_022788.5 (MANE Select); coding-DNA position 305, T replaced by C.
Protein change: p.Val102Ala; replaces valine 102 with alanine.
Molecular consequence: missense variant. On other transcripts: intron variant (2).
Genome position (GRCh38, 1-based): chr3:151,338,541, A>G on the plus strand (T>C on the coding strand, the complement: P2RY12 is on the minus strand). VCF-style: chr3-151338541-A-G. GRCh37 (hg19) VCF-style: chr3-151056329-A-G.
Other names: c.305T>C, p.Val102Ala (NM_176876.3); c.2251-11518A>G (NM_001393769.1); c.2146-11518A>G (NM_053002.6); short protein forms V102A.
Identifiers: ClinVar variation 4729008 (VCV004729008.1).
Genomic context (GRCh38, chr3:151,338,541, plus strand): 5'-CGATCGATAGTTATCAGTCCCAGGAATGAAATACTGATATACATTGTGAAATAAAATATG[A>G]CGGAGGTAACTTGACACACAAAAGTTCTCAGTGGTCCTGTTCCCAGTTTGGCATCACTAA-3'
Protein context (NP_073625.1, residues 92-112): LRTFVCQVTS[Val102Ala]IFYFTMYISI

ClinVar aggregate classification (germline): Uncertain significance (1 of 4 stars; one submission).

gnomAD v4.1: 1 of 1,613,914 alleles (0.000062%); highest among the groups gnomAD compares: Non-Finnish European, 0.000085%; no homozygotes.

Submission:

Labcorp Genetics (formerly Invitae), Labcorp
Classification: Uncertain significance. Last evaluated: 2025-10-11. Review status: criteria provided, single submitter. Criteria: Invitae Variant Classification Sherloc (09022015). Collection method: clinical testing. Allele origin: germline.
Comment: This sequence change replaces valine, which is neutral and non-polar, with alanine, which is neutral and non-polar, at codon 102 of the P2RY12 protein (p.Val102Ala). This variant is not present in population databases (gnomAD no frequency). This variant has not been reported in the literature in individuals affected with P2RY12-related conditions. An algorithm developed to predict the effect of missense changes on protein structure and function (PolyPhen-2) suggests that this variant is likely to be disruptive. In summary, the available evidence is currently insufficient to determine the role of this variant in disease. Therefore, it has been classified as a Variant of Uncertain Significance.